The following is an entry in ClinVar:

ClinVar aggregate classification (germline): Uncertain significance (1 of 4 stars; one submission).

Conditions:
Kabuki syndrome. Also called: NIIKAWA-KUROKI SYNDROME; Kabuki make-up syndrome. Identifiers: Orphanet 2322, MedGen C0796004, MONDO:0016512.

Allele frequency attached by ClinVar (database versions not stated): gnomAD exomes below 0.00001.
gnomAD v4.1: 4 of 1,605,666 alleles (0.00025%); highest among the groups gnomAD compares: Non-Finnish European, 0.00034%; no homozygotes.

Submission:

Labcorp Genetics (formerly Invitae), Labcorp
Classification: Uncertain significance for Kabuki syndrome. Last evaluated: 2025-05-05. Review status: criteria provided, single submitter. Criteria: Invitae Variant Classification Sherloc (09022015). Collection method: clinical testing. Allele origin: germline.
Comment: This sequence change replaces serine, which is neutral and polar, with leucine, which is neutral and non-polar, at codon 468 of the KMT2D protein (p.Ser468Leu). This variant is not present in population databases (gnomAD no frequency). This variant has not been reported in the literature in individuals affected with KMT2D-related conditions. ClinVar contains an entry for this variant (Variation ID: 2863513). Invitae Evidence Modeling of protein sequence and biophysical properties (such as structural, functional, and spatial information, amino acid conservation, physicochemical variation, residue mobility, and thermodynamic stability) indicates that this missense variant is not expected to disrupt KMT2D protein function with a negative predictive value of 95%. In summary, the available evidence is currently insufficient to determine the role of this variant in disease. Therefore, it has been classified as a Variant of Uncertain Significance.

NM_003482.4(KMT2D):c.1403C>T (p.Ser468Leu)

Gene: KMT2D (lysine methyltransferase 2D; minus strand). Cytogenetic location: 12q13.12.
Variant type: single nucleotide variant.
Coding change: c.1403C>T on transcript NM_003482.4 (MANE Select); coding-DNA position 1403, C replaced by T.
Protein change: p.Ser468Leu; replaces serine 468 with leucine.
Molecular consequence: missense variant.
Genome position (GRCh38, 1-based): chr12:49,052,280, G>A on the plus strand (C>T on the coding strand, the complement: KMT2D is on the minus strand). VCF-style: chr12-49052280-G-A. GRCh37 (hg19) VCF-style: chr12-49446063-G-A.
Other names: short protein forms S468L.
Identifiers: ClinVar variation 2863513 (VCV002863513.3), dbSNP rs2120684498, ClinGen allele CA384675027.